The following is an entry in ClinVar:

ClinVar aggregate classification (germline): Uncertain significance (1 of 4 stars; one submission).

Conditions:
Immunodeficiency, common variable, 10. Also called: DEFICIT IN ANTERIOR PITUITARY FUNCTION AND VARIABLE IMMUNODEFICIENCY; IMMUNODEFICIENCY, COMMON VARIABLE, WITH CENTRAL ADRENAL INSUFFICIENCY. Identifiers: MedGen C3809991, MONDO:0014260, OMIM 615577.

Submission:

Labcorp Genetics (formerly Invitae), Labcorp
Classification: Uncertain significance for Immunodeficiency, common variable, 10. Last evaluated: 2024-12-19. Review status: criteria provided, single submitter. Criteria: Invitae Variant Classification Sherloc (09022015). Collection method: clinical testing. Allele origin: germline.
Comment: This sequence change replaces lysine, which is basic and polar, with glutamic acid, which is acidic and polar, at codon 296 of the NFKB2 protein (p.Lys296Glu). This variant is not present in population databases (gnomAD no frequency). This variant has not been reported in the literature in individuals affected with NFKB2-related conditions. An algorithm developed to predict the effect of missense changes on protein structure and function (PolyPhen-2) suggests that this variant is likely to be tolerated. In summary, the available evidence is currently insufficient to determine the role of this variant in disease. Therefore, it has been classified as a Variant of Uncertain Significance.

NM_001322934.2(NFKB2):c.886A>G (p.Lys296Glu)

Gene: NFKB2 (nuclear factor kappa B subunit 2; plus strand). Cytogenetic location: 10q24.32.
Variant type: single nucleotide variant.
Coding change: c.886A>G on transcript NM_001322934.2 (MANE Select); coding-DNA position 886, A replaced by G.
Protein change: p.Lys296Glu; replaces lysine 296 with glutamic acid.
Molecular consequence: missense variant.
Genome position (GRCh38, 1-based): chr10:102,398,418, A>G. VCF-style: chr10-102398418-A-G. GRCh37 (hg19) VCF-style: chr10-104158175-A-G.
Other names: c.886A>G, p.Lys296Glu (NM_001077494.3, NM_001261403.3, NM_001288724.1 and 2 more transcripts); short protein forms K296E.
Identifiers: ClinVar variation 3727627 (VCV003727627.2).